The following is an entry in ClinVar:

ClinVar aggregate classification (germline): Pathogenic (1 of 4 stars; one submission).

Conditions:
Intellectual developmental disorder, X-linked 19. Also called: Intellectual disability, X-linked 19. Identifiers: Orphanet 777, MedGen C0796225, MONDO:0010447, OMIM 300844.
Coffin-Lowry syndrome (CLS). Also called: COFFIN-LOWRY SYNDROME, MILD; Mental retardation with osteocartilaginous abnormalities. Identifiers: Orphanet 192, MedGen C0265252, MONDO:0010561, OMIM 303600.

Submission:

Labcorp Genetics (formerly Invitae), Labcorp
Classification: Pathogenic for Coffin-Lowry syndrome; Intellectual developmental disorder, X-linked 19. Last evaluated: 2021-12-01. Review status: criteria provided, single submitter. Criteria: Invitae Variant Classification Sherloc (09022015). Collection method: clinical testing. Allele origin: germline.
Comment: For these reasons, this variant has been classified as Pathogenic. This variant disrupts a region of the RPS6KA3 protein in which other variant(s) (Deletion (Exon 22)) have been determined to be pathogenic (PMID: 26232052). This suggests that this is a clinically significant region of the protein, and that variants that disrupt it are likely to be disease-causing. This variant has not been reported in the literature in individuals affected with RPS6KA3-related conditions. This variant is a gross deletion of the genomic region encompassing exon(s) 21-22 of the RPS6KA3 gene, which includes the termination codon. This deletion extends beyond the assayed region for this gene and therefore may encompass additional genes. While this deletion is not anticipated to lead to nonsense mediated decay, it is expected to alter mRNA translation or result in a truncated protein product.

Literature cited by the submitters: PubMed 26232052.

NC_000023.10:g.(?_20173516)_(20174387_?)del

Gene: RPS6KA3 (ribosomal protein S6 kinase A3; minus strand). Cytogenetic location: Xp22.12.
Variant type: Deletion.
Identifiers: ClinVar variation 2425178 (VCV002425178.3).